The following is an entry in ClinVar:

ClinVar aggregate classification (germline): Likely benign. Review status: criteria provided, multiple submitters, no conflicts (2 of 4 stars). 3 submissions from 3 submitters: Likely benign (3). Last evaluated 2024-07-14.

Conditions:
Marfan syndrome (MFS). Also called: FBN1-Related Marfan Syndrome; MARFAN SYNDROME, TYPE I; Marfan syndrome type 1; Marfan's syndrome; Marfan syndrome, classic. Identifiers: Orphanet 284963, Orphanet 558, MedGen C0024796, MONDO:0007947, OMIM 154700.
Familial thoracic aortic aneurysm and aortic dissection (TAAD). Also called: Thoracic aortic aneurysms and dissections. Identifiers: Orphanet 91387, MedGen C4707243, MONDO:0019625.

Allele frequency attached by ClinVar (database versions not stated): gnomAD 0.00001; TOPMed 0.00001; gnomAD exomes below 0.00001.
gnomAD v4.1: 8 of 1,613,730 alleles (0.0005%); highest among the groups gnomAD compares: Non-Finnish European, 0.00068%; no homozygotes.

Submissions (3):

Labcorp Genetics (formerly Invitae), Labcorp
Classification: Likely benign for Marfan syndrome; Familial thoracic aortic aneurysm and aortic dissection. Last evaluated: 2024-07-14. Review status: criteria provided, single submitter. Criteria: Invitae Variant Classification Sherloc (09022015). Collection method: clinical testing. Allele origin: germline.

All of Us Research Program, National Institutes of Health
Classification: Likely benign for Marfan syndrome. Last evaluated: 2023-10-27. Review status: criteria provided, single submitter. Criteria: ACMG Guidelines, 2015. Collection method: clinical testing. Allele origin: germline. Inheritance: Autosomal dominant inheritance. Observed: 2 variant alleles, 2 heterozygotes.
Comment: This study involves interpretation of variants in research participants for the purpose of population health screening. Participant phenotype was not available at the time of variant classification. Additional details can be found in publication PMID: 35346344, PMCID: PMC8962531

Color Diagnostics, LLC DBA Color Health
Classification: Likely benign for Familial thoracic aortic aneurysm and aortic dissection. Last evaluated: 2021-12-15. Review status: criteria provided, single submitter. Criteria: ACMG Guidelines, 2015. Collection method: clinical testing. Allele origin: germline.

NM_000138.5(FBN1):c.126C>G (p.Ala42=)

Gene: FBN1 (fibrillin 1; minus strand). Cytogenetic location: 15q21.1.
Variant type: single nucleotide variant.
Coding change: c.126C>G on transcript NM_000138.5 (MANE Select); coding-DNA position 126, C replaced by G.
Protein change: p.Ala42=; no amino-acid change (alanine 42 retained).
Molecular consequence: synonymous variant.
Genome position (GRCh38, 1-based): chr15:48,644,644, G>C on the plus strand (C>G on the coding strand, the complement: FBN1 is on the minus strand). VCF-style: chr15-48644644-G-C. GRCh37 (hg19) VCF-style: chr15-48936841-G-C.
Other names: c.126C>G, p.Ala42= (NM_001406716.1, NM_001406717.1, NM_001406718.1).
Identifiers: ClinVar variation 2773408 (VCV002773408.6), dbSNP rs1297209434, ClinGen allele CA490090744.